The following is an entry in ClinVar:

NM_002641.4(PIGA):c.1441T>A (p.Ser481Thr)

Gene: PIGA (phosphatidylinositol glycan anchor biosynthesis class A; minus strand). Cytogenetic location: Xp22.2.
Variant type: single nucleotide variant.
Coding change: c.1441T>A on transcript NM_002641.4 (MANE Select); coding-DNA position 1441, T replaced by A.
Protein change: p.Ser481Thr; replaces serine 481 with threonine.
Molecular consequence: missense variant. On other transcripts: non-coding transcript variant (2).
Genome position (GRCh38, 1-based): chrX:15,321,520, A>T on the plus strand (T>A on the coding strand, the complement: PIGA is on the minus strand). VCF-style: chrX-15321520-A-T. GRCh37 (hg19) VCF-style: chrX-15339642-A-T.
Other names: c.739T>A, p.Ser247Thr (NM_020473.3); short protein forms S247T, S481T.
Identifiers: ClinVar variation 4071879 (VCV004071879.2).

ClinVar aggregate classification (germline): Uncertain significance (1 of 4 stars; one submission).

Submission:

GeneDx
Classification: Uncertain significance. Last evaluated: 2026-07-05. Review status: criteria provided, single submitter. Criteria: GeneDx Variant Classification Process June 2021. Collection method: clinical testing. Allele origin: germline.
Comment: Not observed at significant frequency in large population cohorts (gnomAD); In silico analysis suggests that this missense variant does not alter protein structure/function; Has not been previously published as pathogenic or benign to our knowledge